The following is an entry in ClinVar:

ClinVar aggregate classification (germline): Likely benign. Review status: reviewed by expert panel (3 of 4 stars). 2 submissions from 2 submitters: Likely benign (1). 1 of the submissions does not count toward it. Last evaluated 2025-07-14.

Conditions:
Inborn genetic diseases. Identifiers: MedGen C0950123, MeSH D030342.
Hereditary thrombocytopenia and hematologic cancer predisposition syndrome. Identifiers: Orphanet 71290, MedGen CN281654, MONDO:0011071.

gnomAD v4.1: 2 of 1,518,474 alleles (0.00013%); highest among the groups gnomAD compares: Non-Finnish European, 0.00018%; no homozygotes.

Submissions (2):

ClinGen Myeloid Malignancy Variant Curation Expert Panel
Classification: Likely benign for Hereditary thrombocytopenia and hematologic cancer predisposition syndrome. Last evaluated: 2025-07-14. Review status: reviewed by expert panel. Criteria: ClinGen MyeloMalig ACMG Specifications v2. Collection method: curation. Allele origin: germline. Inheritance: Autosomal dominant inheritance.
Comment: NM_001754.5(RUNX1):c.1413C>G (p.Arg471=) is a synonymous variant which has a SpliceAI score ≤ 0.20 (0.0) (BP4). Evolutionary conservation algorithms predict the site as not being conserved (PhyloP score ≤ 2.0 (0.49)) (BP7). This variant is completely absent from all population databases with at least 20x coverage for RUNX1 (PM2_supporting). In summary, this variant meets criteria to be classified as likely benign. ACMG/AMP criteria applied, as specified by the Myeloid Malignancy Variant Curation Expert Panel for RUNX1: BP4, BP7, PM2_supporting.

Ambry Genetics
Classification: Likely benign for Inborn genetic diseases. Last evaluated: 2025-02-04. Review status: criteria provided, single submitter. Criteria: Ambry Variant Classification Scheme 2023. Collection method: clinical testing. Allele origin: germline. Not counted in ClinVar's aggregate classification.

NM_001754.5(RUNX1):c.1413C>G (p.Arg471=)

Gene: RUNX1 (RUNX family transcription factor 1; minus strand). Cytogenetic location: 21q22.12.
Variant type: single nucleotide variant.
Coding change: c.1413C>G on transcript NM_001754.5 (MANE Select); coding-DNA position 1413, C replaced by G.
Protein change: p.Arg471=; no amino-acid change (arginine 471 retained).
Molecular consequence: synonymous variant.
Genome position (GRCh38, 1-based): chr21:34,792,165, G>C on the plus strand (C>G on the coding strand, the complement: RUNX1 is on the minus strand). VCF-style: chr21-34792165-G-C. GRCh37 (hg19) VCF-style: chr21-36164462-G-C.
Other names: NM_001754.5(RUNX1):c.1413C>G; p.Arg471=; c.1332C>G, p.Arg444= (NM_001001890.3).
Identifiers: ClinVar variation 3791501 (VCV003791501.1).